The following is an entry in ClinVar:

NM_002582.4(PARN):c.1409A>G (p.Asn470Ser)

Gene: PARN (poly(A)-specific ribonuclease; minus strand). Cytogenetic location: 16p13.12.
Variant type: single nucleotide variant.
Coding change: c.1409A>G on transcript NM_002582.4 (MANE Select); coding-DNA position 1409, A replaced by G.
Protein change: p.Asn470Ser; replaces asparagine 470 with serine.
Molecular consequence: missense variant.
Genome position (GRCh38, 1-based): chr16:14,552,092, T>C on the plus strand (A>G on the coding strand, the complement: PARN is on the minus strand). VCF-style: chr16-14552092-T-C. GRCh37 (hg19) VCF-style: chr16-14645949-T-C.
Other names: c.1226A>G, p.Asn409Ser (NM_001134477.3); c.1271A>G, p.Asn424Ser (NM_001242992.2); short protein forms N409S, N424S, N470S.
Identifiers: ClinVar variation 4987973 (VCV004987973.1).

ClinVar aggregate classification (germline): Uncertain significance (1 of 4 stars; one submission).

Conditions:
PARN-related disorder. Also called: PARN-related condition; PARN-related disorders.

Submission:

PreventionGenetics, part of Exact Sciences
Classification: Uncertain significance for PARN-related condition. Last evaluated: 2025-06-21. Review status: criteria provided, single submitter. Criteria: ACMG Guidelines, 2015. Collection method: clinical testing. Allele origin: germline.
Comment: The PARN c.1409A>G variant is predicted to result in the amino acid substitution p.Asn470Ser. To our knowledge, this variant has not been reported in the literature or in a large population database (gnomAD), indicating this variant is rare. At this time, the clinical significance of this variant is uncertain due to the absence of conclusive functional and genetic evidence.